The following is an entry in ClinVar:

ClinVar aggregate classification (germline): Uncertain significance (1 of 4 stars; one submission).

Conditions:
Encephalopathy, acute, infection-induced (herpes-specific), susceptibility to, 6. Also called: Herpes simplex encephalitis, susceptibility to, 4. Identifiers: Orphanet 1930, MedGen C3553869, MONDO:0013921, OMIM 614850.

Submission:

Labcorp Genetics (formerly Invitae), Labcorp
Classification: Uncertain significance for Encephalopathy, acute, infection-induced (herpes-specific), susceptibility to, 6. Last evaluated: 2019-02-10. Review status: criteria provided, single submitter. Criteria: Invitae Variant Classification Sherloc (09022015). Collection method: clinical testing. Allele origin: germline.
Comment: This variant is not present in population databases (ExAC no frequency). This sequence change replaces glycine with arginine at codon 481 of the TICAM1 protein (p.Gly481Arg). The glycine residue is moderately conserved and there is a moderate physicochemical difference between glycine and arginine. This variant has not been reported in the literature in individuals with TICAM1-related conditions. Algorithms developed to predict the effect of missense changes on protein structure and function are either unavailable or do not agree on the potential impact of this missense change (SIFT: "Tolerated"; PolyPhen-2: "Possibly Damaging"; Align-GVGD: "Class C0"). In summary, the available evidence is currently insufficient to determine the role of this variant in disease. Therefore, it has been classified as a Variant of Uncertain Significance.

NM_182919.4(TICAM1):c.1441G>A (p.Gly481Arg)

Gene: TICAM1 (TIR domain containing adaptor molecule 1; minus strand). Cytogenetic location: 19p13.3.
Variant type: single nucleotide variant.
Coding change: c.1441G>A on transcript NM_182919.4 (MANE Select); coding-DNA position 1441, G replaced by A.
Protein change: p.Gly481Arg; replaces glycine 481 with arginine.
Molecular consequence: missense variant.
Genome position (GRCh38, 1-based): chr19:4,816,937, C>T on the plus strand (G>A on the coding strand, the complement: TICAM1 is on the minus strand). VCF-style: chr19-4816937-C-T. GRCh37 (hg19) VCF-style: chr19-4816949-C-T.
Other names: short protein forms G481R.
Identifiers: ClinVar variation 851168 (VCV000851168.10), dbSNP rs763237315, ClinGen allele CA403489608.
Genomic context (GRCh38, chr19:4,816,937, plus strand): 5'-AGCTGAGCTGGGCCGGGGAGCTCTCCAGGGGCAGGAAGGGGATGACACAGTCTGGCGACC[C>T]CTGTCGCGTGAGGTTGCTCATCATGGCTTGGTTCACCTGGTGCAGGCTCAGGCGACAGTC-3'
Protein context (NP_891549.1, residues 471-491): QAMMSNLTRQ[Gly481Arg]SPDCVIPFLP